The following is an entry in ClinVar:

NM_015272.5(RPGRIP1L):c.2285G>A (p.Gly762Glu)

Gene: RPGRIP1L (RPGRIP1 like; minus strand). Cytogenetic location: 16q12.2.
Variant type: single nucleotide variant.
Coding change: c.2285G>A on transcript NM_015272.5 (MANE Select); coding-DNA position 2285, G replaced by A.
Protein change: p.Gly762Glu; replaces glycine 762 with glutamic acid.
Molecular consequence: missense variant.
Genome position (GRCh38, 1-based): chr16:53,648,983, C>T on the plus strand (G>A on the coding strand, the complement: RPGRIP1L is on the minus strand). VCF-style: chr16-53648983-C-T. GRCh37 (hg19) VCF-style: chr16-53682895-C-T.
Other names: c.2285G>A, p.Gly762Glu (NM_001127897.4, NM_001308334.3, NM_001330538.2); short protein forms G762E.
Identifiers: ClinVar variation 3356591 (VCV003356591.4).
Genomic context (GRCh38, chr16:53,648,983, plus strand): 5'-TTTCTATGTCATAAAAGGGTCTTAAAGCCAAATGAGCTTACCGACTGCATATGCTCTGGC[C>T]CCTTAAAATTTGATGTTATATACCCCAAAGCCTTTGCCCTTTCTCGATAAAGTCGAATTG-3'
Protein context (NP_056087.2, residues 752-772): ALGYITSNFK[Gly762Glu]PEHMQSLSQQ

ClinVar aggregate classification (germline): Uncertain significance. Review status: criteria provided, multiple submitters, no conflicts (2 of 4 stars). 3 submissions from 3 submitters: Uncertain significance (2). 1 of the submissions does not count toward it. Last evaluated 2024-10-16.

Conditions:
Joubert syndrome 7 (JBTS7). Identifiers: Orphanet 220497, MedGen C1969053, MONDO:0012694, OMIM 611560.
Meckel syndrome, type 5 (MKS5). Identifiers: Orphanet 564, MedGen C1969052, MONDO:0012695, OMIM 611561.
COACH syndrome 3. Identifiers: MedGen C5436841, MONDO:0030862, OMIM 619113.
RPGRIP1L-related disorder. Also called: RPGRIP1L-related condition; RPGRIP1L-related disorders. Identifiers: MedGen CN239416.
Joubert syndrome. Also called: JOUBERT-BOLTSHAUSER SYNDROME; Familial aplasia of the vermis. Identifiers: Orphanet 475, MedGen C5979921, MONDO:0018772.
Meckel-Gruber syndrome. Also called: DYSENCEPHALIA SPLANCHNOCYSTICA; GRUBER SYNDROME; Dysencephalia splachnocystica. Identifiers: Orphanet 564, MedGen C0265215, MONDO:0018921.

Submissions (3):

Labcorp Genetics (formerly Invitae), Labcorp
Classification: Uncertain significance for Joubert syndrome; Meckel-Gruber syndrome. Last evaluated: 2024-10-16. Review status: criteria provided, single submitter. Criteria: Invitae Variant Classification Sherloc (09022015). Collection method: clinical testing. Allele origin: germline.
Comment: This sequence change replaces glycine, which is neutral and non-polar, with glutamic acid, which is acidic and polar, at codon 762 of the RPGRIP1L protein (p.Gly762Glu). This variant is not present in population databases (gnomAD no frequency). This variant has not been reported in the literature in individuals affected with RPGRIP1L-related conditions. Invitae Evidence Modeling of protein sequence and biophysical properties (such as structural, functional, and spatial information, amino acid conservation, physicochemical variation, residue mobility, and thermodynamic stability) indicates that this missense variant is not expected to disrupt RPGRIP1L protein function with a negative predictive value of 80%. In summary, the available evidence is currently insufficient to determine the role of this variant in disease. Therefore, it has been classified as a Variant of Uncertain Significance.

Fulgent Genetics
Classification: Uncertain significance for Joubert syndrome 7; Meckel syndrome, type 5; COACH syndrome 3. Last evaluated: 2024-05-23. Review status: criteria provided, single submitter. Criteria: ACMG Guidelines, 2015. Collection method: clinical testing. Allele origin: germline.

PreventionGenetics, part of Exact Sciences
Classification: Uncertain significance for RPGRIP1L-related condition. Last evaluated: 2024-03-06. Review status: no assertion criteria provided. Collection method: clinical testing. Allele origin: germline. Not counted in ClinVar's aggregate classification.
Comment: The RPGRIP1L c.2285G>A variant is predicted to result in the amino acid substitution p.Gly762Glu. To our knowledge, this variant has not been reported in the literature or in a large population database, indicating this variant is rare. At this time, the clinical significance of this variant is uncertain due to the absence of conclusive functional and genetic evidence.